The following is an entry in ClinVar:

NM_004311.4(ARL3):c.86G>T (p.Gly29Val)

Gene: ARL3 (ARF like GTPase 3; minus strand). Cytogenetic location: 10q24.32.
Variant type: single nucleotide variant.
Coding change: c.86G>T on transcript NM_004311.4 (MANE Select); coding-DNA position 86, G replaced by T.
Protein change: p.Gly29Val; replaces glycine 29 with valine.
Molecular consequence: missense variant.
Genome position (GRCh38, 1-based): chr10:102,705,407, C>A on the plus strand (G>T on the coding strand, the complement: ARL3 is on the minus strand). VCF-style: chr10-102705407-C-A. GRCh37 (hg19) VCF-style: chr10-104465164-C-A.
Other names: short protein forms G29V.
Identifiers: ClinVar variation 1327584 (VCV001327584.3), dbSNP rs2136008708, ClinGen allele CA377923661.
Genomic context (GRCh38, chr10:102,705,407, plus strand): 5'-TGTGTAGGTGTGATGTGGCTGATGTCTTCAGATGCAAGCTGCTTCAGAAGAGTGGTCTTG[C>A]CAGCATTATCCAAGCCCAGGAGAAGTATTCTCACCTCCTGGTCTGGTGCACTTTTCAACT-3'
Protein context (NP_004302.1, residues 19-39): RILLLGLDNA[Gly29Val]KTTLLKQLAS

ClinVar aggregate classification (germline): Uncertain significance (1 of 4 stars; one submission).

Conditions:
Retinitis pigmentosa 83 (RP83). Identifiers: MedGen C4748536, MONDO:0032577, OMIM 618173.

Submission:

Institute of Human Genetics, University of Goettingen
Classification: Uncertain significance for Retinitis pigmentosa 83. Last evaluated: 2021-12-14. Review status: criteria provided, single submitter. Criteria: ACMG Guidelines, 2015. Collection method: clinical testing. Allele origin: unknown. Inheritance: Autosomal dominant inheritance. Observed: 1 heterozygote.
Comment: The variant c.86G>T (p.(Gly29Val)) in exon 2 of the ARL3-gene is not found in the gnomAD database, it affects a highly conserved nucleotide, a highly conserved amino acid within a protein domain and there is a moderate physicochemical difference between Gly and Val. This variant has a pathogenic computational verdict based on 12 pathogenic predictions from BayesDel_addAF, DANN, DEOGEN2, EIGEN, FATHMM-MKL, LIST-S2, M-CAP, MVP, MutationAssessor, MutationTaster, PrimateAI and SIFT vs no benign predictions. ACMG criteria used for classification: PM2, PP2, PP3.